The following is an entry in ClinVar:

NM_018897.3(DNAH7):c.7396C>T (p.Arg2466Cys)

Gene: DNAH7 (dynein axonemal heavy chain 7; minus strand). Cytogenetic location: 2q32.3.
Variant type: single nucleotide variant.
Coding change: c.7396C>T on transcript NM_018897.3 (MANE Select); coding-DNA position 7396, C replaced by T.
Protein change: p.Arg2466Cys; replaces arginine 2466 with cysteine.
Molecular consequence: missense variant.
Genome position (GRCh38, 1-based): chr2:195,864,259, G>A on the plus strand (C>T on the coding strand, the complement: DNAH7 is on the minus strand). VCF-style: chr2-195864259-G-A. GRCh37 (hg19) VCF-style: chr2-196728983-G-A.
Other names: short protein forms R2466C.
Identifiers: ClinVar variation 3044077 (VCV003044077.2), dbSNP rs149065769, ClinGen allele CA2034891.

ClinVar aggregate classification (germline): Likely benign (0 of 4 stars; one submission).

Conditions:
DNAH7-related disorder. Also called: DNAH7-related condition.

Allele frequency attached by ClinVar (database versions not stated): gnomAD exomes 0.00018; ExAC 0.00051; gnomAD 0.00080; ESP Exome Variant Server 0.00081; TOPMed 0.00106; 1000 Genomes Project 30x 0.00141; 1000 Genomes Project 0.00160.
gnomAD v4.1: 416 of 1,614,150 alleles (0.026%); highest among the groups gnomAD compares: African/African-American, 0.24%; 1 homozygote.

Submission:

PreventionGenetics, part of Exact Sciences
Classification: Likely benign for DNAH7-related condition. Last evaluated: 2023-10-17. Review status: no assertion criteria provided. Collection method: clinical testing. Allele origin: germline.
Comment: This variant is classified as likely benign based on ACMG/AMP sequence variant interpretation guidelines (Richards et al. 2015 PMID: 25741868, with internal and published modifications).